The following is an entry in ClinVar:

NM_001164508.2(NEB):c.17369C>T (p.Thr5790Ile)

Gene: NEB (nebulin; minus strand). Cytogenetic location: 2q23.3.
Variant type: single nucleotide variant.
Coding change: c.17369C>T on transcript NM_001164508.2 (MANE Select); coding-DNA position 17369, C replaced by T.
Protein change: p.Thr5790Ile; replaces threonine 5790 with isoleucine.
Molecular consequence: missense variant.
Genome position (GRCh38, 1-based): chr2:151,570,142, G>A on the plus strand (C>T on the coding strand, the complement: NEB is on the minus strand). VCF-style: chr2-151570142-G-A. GRCh37 (hg19) VCF-style: chr2-152426656-G-A.
Other names: c.17369C>T, p.Thr5790Ile (NM_001164507.2, NM_001271208.2); c.12266C>T, p.Thr4089Ile (NM_004543.5); short protein forms T4089I, T5790I.
Identifiers: ClinVar variation 808825 (VCV000808825.51), dbSNP rs752014573, ClinGen allele CA1908242.

ClinVar aggregate classification (germline): Uncertain significance. Review status: criteria provided, multiple submitters, no conflicts (2 of 4 stars). 4 submissions from 4 submitters: Uncertain significance (3). 1 of the submissions does not count toward it. Last evaluated 2024-11-01.

Conditions:
Nemaline myopathy 2 (NEM2). Also called: Nemaline myopathy 2, autosomal recessive. Identifiers: MedGen C1850569, MONDO:0009725, OMIM 256030.

Allele frequency attached by ClinVar (database versions not stated): ExAC 0.00001; gnomAD 0.00002; gnomAD exomes 0.00002; TOPMed 0.00003.
gnomAD v4.1: 35 of 1,613,166 alleles (0.0022%); highest among the groups gnomAD compares: Middle Eastern, 0.066%; no homozygotes.

Submissions (4):

CeGaT Center for Human Genetics Tuebingen
Classification: Uncertain significance. Last evaluated: 2024-11-01. Review status: criteria provided, single submitter. Criteria: CeGaT Center For Human Genetics Tuebingen Variant Classification Criteria Version 2. Collection method: clinical testing. Allele origin: germline. Affected: yes. Observed: 4 variant alleles.
Comment: NEB: PM2, BP4

Labcorp Genetics (formerly Invitae), Labcorp
Classification: Uncertain significance for Nemaline myopathy 2. Last evaluated: 2022-08-22. Review status: criteria provided, single submitter. Criteria: Invitae Variant Classification Sherloc (09022015). Collection method: clinical testing. Allele origin: germline.
Comment: This sequence change replaces threonine, which is neutral and polar, with isoleucine, which is neutral and non-polar, at codon 5790 of the NEB protein (p.Thr5790Ile). This variant is present in population databases (rs752014573, gnomAD 0.005%). This variant has not been reported in the literature in individuals affected with NEB-related conditions. ClinVar contains an entry for this variant (Variation ID: 808825). Algorithms developed to predict the effect of missense changes on protein structure and function output the following: SIFT: "Deleterious"; PolyPhen-2: "Not Available"; Align-GVGD: "Class C0". The isoleucine amino acid residue is found in multiple mammalian species, which suggests that this missense change does not adversely affect protein function. In summary, the available evidence is currently insufficient to determine the role of this variant in disease. Therefore, it has been classified as a Variant of Uncertain Significance.

Illumina Laboratory Services, Illumina
Classification: Uncertain significance for Nemaline myopathy 2. Last evaluated: 2018-01-13. Review status: criteria provided, single submitter. Criteria: ICSL Variant Classification Criteria 13 December 2019. Collection method: clinical testing. Allele origin: germline.

Natera, Inc.
Classification: Uncertain significance for Nemaline myopathy type 2. Last evaluated: 2020-01-24. Review status: no assertion criteria provided. Collection method: clinical testing. Allele origin: germline. Not counted in ClinVar's aggregate classification.